The following is an entry in ClinVar:

ClinVar aggregate classification (germline): Uncertain significance. Review status: criteria provided, multiple submitters, no conflicts (2 of 4 stars). 2 submissions from 2 submitters: Uncertain significance (2). Last evaluated 2022-09-14.

Conditions:
Inborn genetic diseases. Identifiers: MedGen C0950123, MeSH D030342.
Nemaline myopathy 5 (NEM5A). Also called: NEMALINE MYOPATHY, AMISH TYPE; NEMALINE MYOPATHY 5A, AUTOSOMAL RECESSIVE, SEVERE INFANTILE; Nemaline myopathy 5, Amish type. Identifiers: Orphanet 98902, MedGen C1854380, MONDO:0011539, OMIM 605355.

Submissions (2):

Ambry Genetics
Classification: Uncertain significance for Inborn genetic diseases. Last evaluated: 2022-09-14. Review status: criteria provided, single submitter. Criteria: Ambry Variant Classification Scheme 2023. Collection method: clinical testing. Allele origin: germline.

Labcorp Genetics (formerly Invitae), Labcorp
Classification: Uncertain significance for Nemaline myopathy 5. Last evaluated: 2021-08-12. Review status: criteria provided, single submitter. Criteria: Invitae Variant Classification Sherloc (09022015). Collection method: clinical testing. Allele origin: germline.
Comment: In summary, the available evidence is currently insufficient to determine the role of this variant in disease. Therefore, it has been classified as a Variant of Uncertain Significance. Algorithms developed to predict the effect of missense changes on protein structure and function are either unavailable or do not agree on the potential impact of this missense change (SIFT: "Deleterious"; PolyPhen-2: "Benign"; Align-GVGD: "Class C0"). This variant has not been reported in the literature in individuals affected with TNNT1-related conditions. This variant is not present in population databases (ExAC no frequency). This sequence change replaces serine with cysteine at codon 216 of the TNNT1 protein (p.Ser216Cys). The serine residue is weakly conserved and there is a moderate physicochemical difference between serine and cysteine.

NM_003283.6(TNNT1):c.647C>G (p.Ser216Cys)

Gene: TNNT1 (troponin T1, slow skeletal type; minus strand). Cytogenetic location: 19q13.42.
Variant type: single nucleotide variant.
Coding change: c.647C>G on transcript NM_003283.6 (MANE Select); coding-DNA position 647, C replaced by G.
Protein change: p.Ser216Cys; replaces serine 216 with cysteine.
Molecular consequence: missense variant. On other transcripts: intron variant (3).
Genome position (GRCh38, 1-based): chr19:55,134,169, G>C on the plus strand (C>G on the coding strand, the complement: TNNT1 is on the minus strand). VCF-style: chr19-55134169-G-C. GRCh37 (hg19) VCF-style: chr19-55645537-G-C.
Other names: c.579-13C>G (NM_001126133.3, NM_001291774.2); c.612-13C>G (NM_001126132.3); c.647C>G (NM_003283.4); short protein forms S216C.
Identifiers: ClinVar variation 1465343 (VCV001465343.7), dbSNP rs1414740144, ClinGen allele CA407432027.